The following is an entry in ClinVar:

ClinVar aggregate classification (germline): Likely pathogenic (1 of 4 stars; one submission).

Submission:

GeneDx
Classification: Likely pathogenic. Last evaluated: 2026-03-05. Review status: criteria provided, single submitter. Criteria: GeneDx Variant Classification Process June 2021. Collection method: clinical testing. Allele origin: germline.
Comment: Frameshift variant predicted to result in protein truncation, as the last 140 amino acids are replaced with 64 different amino acids, and other loss-of-function variants have been reported downstream in HGMD; Has not been previously published as pathogenic or benign to our knowledge

NM_017951.5(SMPD4):c.2063del (p.Gln688fs)

Gene: SMPD4 (sphingomyelin phosphodiesterase 4; minus strand). Cytogenetic location: 2q21.1.
Variant type: Deletion.
Coding change: c.2063del on transcript NM_017951.5 (MANE Select); coding-DNA position 2063, one base deleted (A; older notation c.2063delA).
Protein change: p.Gln688fs; shifts the reading frame from glutamine 688.
Molecular consequence: frameshift variant. On other transcripts: non-coding transcript variant (2).
Genome position (GRCh38, 1-based): chr2:130,153,134, T deleted on the plus strand (A on the coding strand, the reverse complement: SMPD4 is on the minus strand). VCF-style (leftmost placement, unchanged base first): chr2-130153133-CT-C. GRCh37 (hg19) VCF-style: chr2-130910706-CT-C.
Other names: c.1874del, p.Gln625fs (NM_001171083.2); c.2093del, p.Gln698fs (NM_017751.4); short protein forms Q625fs, Q688fs, Q698fs.
Identifiers: ClinVar variation 3342595 (VCV003342595.2).